The following is an entry in ClinVar:

ClinVar aggregate classification (germline): Uncertain significance (1 of 4 stars; one submission).

Conditions:
Pitt-Hopkins syndrome (PTHS). Also called: ENCEPHALOPATHY, SEVERE EPILEPTIC, WITH AUTONOMIC DYSFUNCTION; MENTAL RETARDATION, SYNDROMAL, WITH INTERMITTENT HYPERVENTILATION. Identifiers: Orphanet 2896, MedGen C1970431, MONDO:0012589, OMIM 610954.

Allele frequency attached by ClinVar (database versions not stated): gnomAD exomes below 0.00001.
gnomAD v4.1: 1 of 1,606,194 alleles (0.000062%); highest among the groups gnomAD compares: Non-Finnish European, 0.000085%; no homozygotes.

Submission:

Labcorp Genetics (formerly Invitae), Labcorp
Classification: Uncertain significance for Pitt-Hopkins syndrome. Last evaluated: 2022-08-16. Review status: criteria provided, single submitter. Criteria: Invitae Variant Classification Sherloc (09022015). Collection method: clinical testing. Allele origin: germline.
Comment: In summary, the available evidence is currently insufficient to determine the role of this variant in disease. Therefore, it has been classified as a Variant of Uncertain Significance. Variants that disrupt the consensus splice site are a relatively common cause of aberrant splicing (PMID: 17576681, 9536098). Algorithms developed to predict the effect of sequence changes on RNA splicing suggest that this variant is not likely to affect RNA splicing. This variant has not been reported in the literature in individuals affected with TCF4-related conditions. This variant is not present in population databases (gnomAD no frequency). This sequence change falls in intron 14 of the TCF4 gene. It does not directly change the encoded amino acid sequence of the TCF4 protein. It affects a nucleotide within the consensus splice site.

Literature cited by the submitters: PubMed 17576681; PubMed 9536098.

NM_001083962.2(TCF4):c.1147-3C>T

Gene: TCF4 (transcription factor 4; minus strand). Cytogenetic location: 18q21.2.
Variant type: single nucleotide variant.
Coding change: c.1147-3C>T on transcript NM_001083962.2 (MANE Select); 3 bases into the intron before coding-DNA position 1147, C replaced by T.
Molecular consequence: intron variant.
Genome position (GRCh38, 1-based): chr18:55,254,703, G>A on the plus strand (C>T on the coding strand, the complement: TCF4 is on the minus strand). VCF-style: chr18-55254703-G-A. GRCh37 (hg19) VCF-style: chr18-52921934-G-A.
Other names: c.1453-3C>T (NM_001243226.3); c.1072-3C>T (NM_001369584.1, NM_001369576.1, NM_001369577.1 and 6 more transcripts); c.1075-3C>T (NM_001369582.1, NM_001243227.2, NM_001369583.1 and 5 more transcripts); c.1078-3C>T (NM_001369586.1); c.1147-3C>T (NM_001369571.1, NM_001369567.1, NM_001369572.1 and 2 more transcripts); c.1165-3C>T (NM_001243228.2); c.1138-3C>T (NM_001243230.2); c.1144-3C>T (NM_001369569.1, NM_001369573.1, NM_001369570.1 and 2 more transcripts); and 6 more.
Identifiers: ClinVar variation 1957207 (VCV001957207.5), dbSNP rs2056333687, ClinGen allele CA2580095920.